The following is an entry in ClinVar:

ClinVar aggregate classification (germline): Pathogenic (1 of 4 stars; one submission).

Submission:

GeneDx
Classification: Pathogenic. Last evaluated: 2016-04-08. Review status: criteria provided, single submitter. Criteria: GeneDx Variant Classification (06012015). Collection method: clinical testing. Allele origin: germline. Affected: yes.
Comment: The c.83delC pathogenic variant in the SATB2 gene has not been reported previously as a pathogenic variant nor as a benign variant, to our knowledge. The c.83delC variant causes a frameshift starting with codon Proline 28, changes this amino acid to a Glutamine residue, and creates a premature Stop codon at position 2 of the new reading frame, denoted p.Pro28GlnfsX2. This variant is predicted to cause loss of normal protein function either through protein truncation or nonsense-mediated mRNA decay. The c.83delC variant was not observed in approximately 5700 individuals of European and African American ancestry in the NHLBI Exome Sequencing Project, indicating it is not a common benign variant in these populations. We interpret c.83delC as a pathogenic variant.

NM_001172509.2(SATB2):c.83del (p.Pro28fs)

Gene: SATB2 (SATB homeobox 2; minus strand). Cytogenetic location: 2q33.1.
Variant type: Deletion.
Coding change: c.83del on transcript NM_001172509.2 (MANE Select); coding-DNA position 83, one base deleted (C; older notation c.83delC).
Protein change: p.Pro28fs; shifts the reading frame from proline 28.
Molecular consequence: frameshift variant. On other transcripts: non-coding transcript variant (1).
Genome position (GRCh38, 1-based): chr2:199,455,955, G deleted on the plus strand (C on the coding strand, the reverse complement: SATB2 is on the minus strand); the first of 5 consecutive G bases (chr2:199,455,955-199,455,959); deleting any one gives the same sequence. VCF-style (leftmost placement, unchanged base first): chr2-199455954-TG-T. GRCh37 (hg19) VCF-style: chr2-200320677-TG-T.
Other names: c.83del, p.Pro28fs (NM_001172517.1, NM_015265.4); short protein forms P28fs.
Identifiers: ClinVar variation 280492 (VCV000280492.2), dbSNP rs886041685, ClinGen allele CA10602844.